The following is an entry in ClinVar:

ClinVar aggregate classification (germline): Uncertain significance. Review status: criteria provided, multiple submitters, no conflicts (2 of 4 stars). 5 submissions from 5 submitters: Uncertain significance (5). Last evaluated 2026-01-08.

Conditions:
Hereditary cancer-predisposing syndrome. Also called: Neoplastic Syndromes, Hereditary; Tumor predisposition; Hereditary Cancer Syndrome; Hereditary neoplastic syndrome. Identifiers: Orphanet 140162, MedGen C0027672, MeSH D009386, MONDO:0015356.
BAP1-related tumor predisposition syndrome (TPDS1). Also called: COMMON Syndrome; TUMOR PREDISPOSITION SYNDROME 1; BAP1 tumor predisposition syndrome; Tumor susceptibility linked to germline BAP1 mutations. Identifiers: Orphanet 289539, MedGen C3280492, MONDO:0013692, OMIM 614327.

Allele frequency attached by ClinVar (database versions not stated): gnomAD exomes below 0.00001; TOPMed 0.00001.
gnomAD v4.1: 2 of 1,583,096 alleles (0.00013%); highest among the groups gnomAD compares: Non-Finnish European, 0.00017%; no homozygotes.

Submissions (5):

Women's Health and Genetics/Laboratory Corporation of America, LabCorp
Classification: Uncertain significance. Last evaluated: 2026-01-08. Review status: criteria provided, single submitter. Criteria: LabCorp Variant Classification Summary - May 2015. Collection method: clinical testing. Allele origin: germline.
Comment: Variant summary: BAP1 c.2123G>A (p.Arg708Gln) results in a conservative amino acid change in the encoded protein sequence. Algorithms developed to predict the effect of missense changes on protein structure and function are either unavailable or do not agree on the potential impact of this missense change. The variant was absent in 192940 control chromosomes. The available data on variant occurrences in the general population are insufficient to allow any conclusion about variant significance. To our knowledge, no occurrence of c.2123G>A in individuals affected with BAP1-related conditions and no experimental evidence demonstrating its impact on protein function have been reported. ClinVar contains an entry for this variant (Variation ID: 1786273). Based on the evidence outlined above, the variant was classified as uncertain significance.

Labcorp Genetics (formerly Invitae), Labcorp
Classification: Uncertain significance for BAP1-related tumor predisposition syndrome. Last evaluated: 2024-05-26. Review status: criteria provided, single submitter. Criteria: Invitae Variant Classification Sherloc (09022015). Collection method: clinical testing. Allele origin: germline.
Comment: This sequence change replaces arginine, which is basic and polar, with glutamine, which is neutral and polar, at codon 708 of the BAP1 protein (p.Arg708Gln). This variant is not present in population databases (gnomAD no frequency). This variant has not been reported in the literature in individuals affected with BAP1-related conditions. ClinVar contains an entry for this variant (Variation ID: 1786273). Advanced modeling of protein sequence and biophysical properties (such as structural, functional, and spatial information, amino acid conservation, physicochemical variation, residue mobility, and thermodynamic stability) performed at Invitae indicates that this missense variant is not expected to disrupt BAP1 protein function with a negative predictive value of 80%. In summary, the available evidence is currently insufficient to determine the role of this variant in disease. Therefore, it has been classified as a Variant of Uncertain Significance.

GeneDx
Classification: Uncertain significance. Last evaluated: 2024-03-15. Review status: criteria provided, single submitter. Criteria: GeneDx Variant Classification Process June 2021. Collection method: clinical testing. Allele origin: germline. Affected: yes.
Comment: Not observed at significant frequency in large population cohorts (gnomAD); In silico analysis supports that this missense variant does not alter protein structure/function; Has not been previously published as pathogenic or benign to our knowledge

Color Diagnostics, LLC DBA Color Health
Classification: Uncertain significance for Hereditary cancer-predisposing syndrome. Last evaluated: 2022-11-21. Review status: criteria provided, single submitter. Criteria: ACMG Guidelines, 2015. Collection method: clinical testing. Allele origin: germline.
Comment: This missense variant replaces arginine with glutamine at codon 708 of the BAP1 protein. Computational prediction suggests that this variant may not impact protein structure and function (internally defined REVEL score threshold <= 0.5, PMID: 27666373). To our knowledge, functional studies have not been reported for this variant. This variant has not been reported in individuals affected with BAP1-related disorders in the literature. This variant has not been identified in the general population by the Genome Aggregation Database (gnomAD). The available evidence is insufficient to determine the role of this variant in disease conclusively. Therefore, this variant is classified as a Variant of Uncertain Significance.

Ambry Genetics
Classification: Uncertain significance for Hereditary cancer-predisposing syndrome. Last evaluated: 2022-09-30. Review status: criteria provided, single submitter. Criteria: Ambry Variant Classification Scheme 2023. Collection method: clinical testing. Allele origin: germline.
Comment: The p.R708Q variant (also known as c.2123G>A), located in coding exon 17 of the BAP1 gene, results from a G to A substitution at nucleotide position 2123. The arginine at codon 708 is replaced by glutamine, an amino acid with highly similar properties. This amino acid position is conserved. In addition, this alteration is predicted to be tolerated by in silico analysis. Since supporting evidence is limited at this time, the clinical significance of this alteration remains unclear.

NM_004656.4(BAP1):c.2123G>A (p.Arg708Gln)

Gene: BAP1 (BRCA1 associated deubiquitinase 1; minus strand). Cytogenetic location: 3p21.1.
Variant type: single nucleotide variant.
Coding change: c.2123G>A on transcript NM_004656.4 (MANE Select); coding-DNA position 2123, G replaced by A.
Protein change: p.Arg708Gln; replaces arginine 708 with glutamine.
Molecular consequence: missense variant.
Genome position (GRCh38, 1-based): chr3:52,402,355, C>T on the plus strand (G>A on the coding strand, the complement: BAP1 is on the minus strand). VCF-style: chr3-52402355-C-T. GRCh37 (hg19) VCF-style: chr3-52436371-C-T.
Other names: c.2069G>A, p.Arg690Gln (NM_001410772.1); c.2123G>A (NM_004656.3); short protein forms R690Q, R708Q.
Identifiers: ClinVar variation 1786273 (VCV001786273.8), dbSNP rs1704983938, ClinGen allele CA353094254.